The following is an entry in ClinVar:

ClinVar aggregate classification (germline): Likely pathogenic. Review status: criteria provided, single submitter (1 of 4 stars). 2 submissions from 2 submitters: Likely pathogenic (1). 1 of the submissions does not count toward it. Last evaluated 2018-06-05.

Conditions:
Intellectual disability, X-linked 102 (MRXSSB). Also called: Intellectual developmental disorder, X-linked syndromic, Snijders Blok type. Identifiers: Orphanet 457260, MedGen C5393299, MONDO:0010497, OMIM 300958.

Submissions (2):

Equipe Genetique des Anomalies du Developpement, Université de Bourgogne
Classification: Likely pathogenic for Intellectual disability, X-linked 102. Last evaluated: 2018-06-05. Review status: criteria provided, single submitter. Criteria: ACMG Guidelines, 2015. Collection method: clinical testing. Allele origin: de novo. Affected: yes.

Solve-RD Consortium
Classification: Likely pathogenic for Intellectual disability, X-linked 102. Last evaluated: 2022-06-01. Review status: no assertion criteria provided. Collection method: provider interpretation. Allele origin: inherited. Affected: yes. Not counted in ClinVar's aggregate classification.
Comment: Variant confirmed as disease-causing by referring clinical team

Variant identified during reanalysis of unsolved cases by the Solve-RD project. The Solve-RD project has received funding from the European Union’s Horizon 2020 research and innovation programme under grant agreement No 779257.

Literature cited by the submitters: PubMed 39825153 (cited by Solve-RD Consortium).

NM_001356.5(DDX3X):c.1563dup (p.Ile522fs)

Gene: DDX3X (DEAD-box helicase 3 X-linked; plus strand). Cytogenetic location: Xp11.4.
Variant type: Duplication.
Coding change: c.1563dup on transcript NM_001356.5 (MANE Select); coding-DNA position 1563, one base duplicated (T; older notation c.1563dupT).
Protein change: p.Ile522fs; shifts the reading frame from isoleucine 522.
Molecular consequence: frameshift variant. On other transcripts: non-coding transcript variant (1).
Genome position (GRCh38, 1-based): chrX:41,346,570, T duplicated. VCF-style (leftmost placement, unchanged base first): chrX-41346569-A-AT. GRCh37 (hg19) VCF-style: chrX-41205822-A-AT.
Other names: c.1563dup, p.Ile522fs (NM_001193416.3); c.1515dup, p.Ile506fs (NM_001193417.3); c.1005dup, p.Ile336fs (NM_001363819.1); short protein forms I522fs, I506fs, I336fs.
Identifiers: ClinVar variation 666561 (VCV000666561.2), dbSNP rs1602136369, ClinGen allele CA915950999.